The following is an entry in ClinVar:

NM_001130009.3(GEN1):c.2174G>C (p.Gly725Ala)

Gene: GEN1 (GEN1 structure-specific endonuclease; plus strand). Cytogenetic location: 2p24.2.
Variant type: single nucleotide variant.
Coding change: c.2174G>C on transcript NM_001130009.3 (MANE Select); coding-DNA position 2174, G replaced by C.
Protein change: p.Gly725Ala; replaces glycine 725 with alanine.
Molecular consequence: missense variant.
Genome position (GRCh38, 1-based): chr2:17,781,386, G>C. VCF-style: chr2-17781386-G-C. GRCh37 (hg19) VCF-style: chr2-17962653-G-C.
Other names: c.2174G>C, p.Gly725Ala (NM_182625.5); short protein forms G725A.
Identifiers: ClinVar variation 4842210 (VCV004842210.1).

ClinVar aggregate classification (germline): Uncertain significance (1 of 4 stars; one submission).

Submission:

Ambry Genetics
Classification: Uncertain significance. Last evaluated: 2026-01-13. Review status: criteria provided, single submitter. Criteria: Ambry Variant Classification Scheme 2023. Collection method: clinical testing. Allele origin: germline.
Comment: The p.G725A variant (also known as c.2174G>C), located in coding exon 13 of the GEN1 gene, results from a G to C substitution at nucleotide position 2174. The glycine at codon 725 is replaced by alanine, an amino acid with similar properties. This amino acid position is conserved. In addition, this alteration is predicted to be tolerated by in silico analysis. Based on the available evidence, the clinical significance of this variant remains unclear.